The following is an entry in ClinVar:

ClinVar aggregate classification (germline): Uncertain significance. Review status: criteria provided, multiple submitters, no conflicts (2 of 4 stars). 3 submissions from 3 submitters: Uncertain significance (3). Last evaluated 2025-06-16.

Conditions:
Familial cancer of breast. Also called: Hereditary breast cancer; BREAST CANCER, FAMILIAL; hereditary breast carcinoma. Identifiers: Orphanet 227535, MedGen C0346153, MONDO:0016419, OMIM 114480. Disease mechanism: loss of function.
Fanconi anemia complementation group J. Also called: BRIP1-Related Fanconi Anemia. Identifiers: Orphanet 84, MedGen C1836860, MONDO:0012187, OMIM 609054.
Hereditary cancer-predisposing syndrome. Also called: Neoplastic Syndromes, Hereditary; Hereditary neoplastic syndrome; Tumor predisposition; Hereditary Cancer Syndrome. Identifiers: Orphanet 140162, MedGen C0027672, MeSH D009386, MONDO:0015356.

Submissions (3):

Labcorp Genetics (formerly Invitae), Labcorp
Classification: Uncertain significance for Familial cancer of breast; Fanconi anemia complementation group J. Last evaluated: 2025-06-16. Review status: criteria provided, single submitter. Criteria: Invitae Variant Classification Sherloc (09022015). Collection method: clinical testing. Allele origin: germline.
Comment: This sequence change replaces isoleucine, which is neutral and non-polar, with methionine, which is neutral and non-polar, at codon 1198 of the BRIP1 protein (p.Ile1198Met). This variant is not present in population databases (gnomAD no frequency). This variant has not been reported in the literature in individuals affected with BRIP1-related conditions. ClinVar contains an entry for this variant (Variation ID: 660247). Invitae Evidence Modeling of protein sequence and biophysical properties (such as structural, functional, and spatial information, amino acid conservation, physicochemical variation, residue mobility, and thermodynamic stability) indicates that this missense variant is not expected to disrupt BRIP1 protein function with a negative predictive value of 95%. In summary, the available evidence is currently insufficient to determine the role of this variant in disease. Therefore, it has been classified as a Variant of Uncertain Significance.

Ambry Genetics
Classification: Uncertain significance for Hereditary cancer-predisposing syndrome. Last evaluated: 2025-02-22. Review status: criteria provided, single submitter. Criteria: Ambry Variant Classification Scheme 2023. Collection method: clinical testing. Allele origin: germline.
Comment: The p.I1198M variant (also known as c.3594T>G), located in coding exon 19 of the BRIP1 gene, results from a T to G substitution at nucleotide position 3594. The isoleucine at codon 1198 is replaced by methionine, an amino acid with highly similar properties. This amino acid position is conserved. In addition, this alteration is predicted to be tolerated by in silico analysis. Since supporting evidence is limited at this time, the clinical significance of this alteration remains unclear.

GeneDx
Classification: Uncertain significance. Last evaluated: 2019-11-26. Review status: criteria provided, single submitter. Criteria: GeneDx Variant Classification Process June 2021. Collection method: clinical testing. Allele origin: germline. Affected: yes.
Comment: Not observed in large population cohorts (Lek 2016); In silico analysis, which includes protein predictors and evolutionary conservation, supports that this variant does not alter protein structure/function; Has not been previously published as pathogenic or benign to our knowledge

NM_032043.3(BRIP1):c.3594T>G (p.Ile1198Met)

Gene: BRIP1 (BRCA1 interacting DNA helicase 1; minus strand). Cytogenetic location: 17q23.2.
Variant type: single nucleotide variant.
Coding change: c.3594T>G on transcript NM_032043.3 (MANE Select); coding-DNA position 3594, T replaced by G.
Protein change: p.Ile1198Met; replaces isoleucine 1198 with methionine.
Molecular consequence: missense variant.
Genome position (GRCh38, 1-based): chr17:61,683,452, A>C on the plus strand (T>G on the coding strand, the complement: BRIP1 is on the minus strand). VCF-style: chr17-61683452-A-C. GRCh37 (hg19) VCF-style: chr17-59760813-A-C.
Other names: short protein forms I1198M.
Identifiers: ClinVar variation 660247 (VCV000660247.16), dbSNP rs1603274842, ClinGen allele CA400478114.
Genomic context (GRCh38, chr17:61,683,452, plus strand): 5'-TATCCAAGTTGTTTTTACATTACCATCAATGTCATCAATTTTACTTTCTTCAATATGCAG[A>C]ATTCCATTCAACTTTGTATCTATGCAATCCTCAGCTTTCACTTCTCTGGCTGAATCTACT-3'
Protein context (NP_114432.2, residues 1188-1208): EDCIDTKLNG[Ile1198Met]LHIEESKIDD